The following is an entry in ClinVar:

NM_006612.6(KIF1C):c.2567G>A (p.Arg856Gln)

Gene: KIF1C (kinesin family member 1C; plus strand). Cytogenetic location: 17p13.2.
Variant type: single nucleotide variant.
Coding change: c.2567G>A on transcript NM_006612.6 (MANE Select); coding-DNA position 2567, G replaced by A.
Protein change: p.Arg856Gln; replaces arginine 856 with glutamine.
Molecular consequence: missense variant.
Genome position (GRCh38, 1-based): chr17:5,022,648, G>A. VCF-style: chr17-5022648-G-A. GRCh37 (hg19) VCF-style: chr17-4925943-G-A.
Other names: short protein forms R856Q.
Identifiers: ClinVar variation 1023409 (VCV001023409.7), dbSNP rs372705324, ClinGen allele CA8319322.

ClinVar aggregate classification (germline): Uncertain significance (1 of 4 stars; one submission).

Conditions:
Spastic ataxia 2. Also called: Ataxia, spastic, 2, autosomal recessive. Identifiers: Orphanet 397946, MedGen C1969796, MONDO:0012651, OMIM 611302.

Allele frequency attached by ClinVar (database versions not stated): gnomAD exomes 0.00003; ExAC 0.00004; TOPMed 0.00002.
gnomAD v4.1: 21 of 1,601,896 alleles (0.0013%); highest among the groups gnomAD compares: East Asian, 0.016%; no homozygotes.

Submission:

Labcorp Genetics (formerly Invitae), Labcorp
Classification: Uncertain significance for Spastic ataxia 2. Last evaluated: 2022-03-21. Review status: criteria provided, single submitter. Criteria: Invitae Variant Classification Sherloc (09022015). Collection method: clinical testing. Allele origin: germline.
Comment: This sequence change replaces arginine, which is basic and polar, with glutamine, which is neutral and polar, at codon 856 of the KIF1C protein (p.Arg856Gln). This variant is present in population databases (rs372705324, gnomAD 0.04%). This variant has not been reported in the literature in individuals affected with KIF1C-related conditions. In summary, the available evidence is currently insufficient to determine the role of this variant in disease. Therefore, it has been classified as a Variant of Uncertain Significance. ClinVar contains an entry for this variant (Variation ID: 1023409). Algorithms developed to predict the effect of missense changes on protein structure and function are either unavailable or do not agree on the potential impact of this missense change (SIFT: "Deleterious"; PolyPhen-2: "Benign"; Align-GVGD: "Class C0").